The following is an entry in ClinVar:

ClinVar aggregate classification (germline): not provided (0 of 4 stars; one submission).

Submission:

ITMI
No classification provided. Condition: AllHighlyPenetrant. Last evaluated: 2013-09-19. Review status: no classification provided. Collection method: reference population. Allele origin: germline.
Comment: Please see associated publication for description of ethnicities

Literature cited by the submitters: PubMed 24728327.

NM_001123385.2(BCOR):c.586A>C (p.Met196Leu)

Genes: BCOR (BCL6 corepressor; minus strand), LOC126863239 (MED14-independent group 3 enhancer GRCh37_chrX:39932994-39934193; plus strand). Cytogenetic location: Xp11.4.
Variant type: single nucleotide variant.
Coding change: c.586A>C on transcript NM_001123385.2 (MANE Select); coding-DNA position 586, A replaced by C.
Protein change: p.Met196Leu; replaces methionine 196 with leucine.
Molecular consequence: missense variant.
Genome position (GRCh38, 1-based): chrX:40,074,760, T>G on the plus strand (A>C on the coding strand, the complement: BCOR is on the minus strand). VCF-style: chrX-40074760-T-G. GRCh37 (hg19) VCF-style: chrX-39934013-T-G.
Other names: c.586A>C, p.Met196Leu (NM_001123383.2, NM_001123384.2, NM_017745.6); short protein forms M196L.
Identifiers: ClinVar variation 133680 (VCV000133680.1), dbSNP rs587778094, ClinGen allele CA157298.